The following is an entry in ClinVar:

NM_000393.5(COL5A2):c.54A>C (p.Leu18Phe)

Gene: COL5A2 (collagen type V alpha 2 chain; minus strand). Cytogenetic location: 2q32.2.
Variant type: single nucleotide variant.
Coding change: c.54A>C on transcript NM_000393.5 (MANE Select); coding-DNA position 54, A replaced by C.
Protein change: p.Leu18Phe; replaces leucine 18 with phenylalanine.
Molecular consequence: missense variant.
Genome position (GRCh38, 1-based): chr2:189,179,551, T>G on the plus strand (A>C on the coding strand, the complement: COL5A2 is on the minus strand). VCF-style: chr2-189179551-T-G. GRCh37 (hg19) VCF-style: chr2-190044277-T-G.
Other names: short protein forms L18F.
Identifiers: ClinVar variation 1469214 (VCV001469214.8), dbSNP rs2105831569, ClinGen allele CA349986256.
Genomic context (GRCh38, chr2:189,179,551, plus strand): 5'-GCAAATGGCAAACTCACCATCCTCGTCTTCTTCCTGGGCTTTTATTGAGACAAATTGCCC[T>G]AATAAAACAATAAGAATGAGGAGAGGTCTTGCTTCCGCCCAGTTTGCCATCATGTCTAAA-3'
Protein context (NP_000384.2, residues 8-28): ARPLLILIVL[Leu18Phe]GQFVSIKAQE

ClinVar aggregate classification (germline): Uncertain significance (1 of 4 stars; one submission).

Conditions:
Ehlers-Danlos syndrome, classic type, 1 (EDSCL1). Also called: EHLERS-DANLOS SYNDROME, GRAVIS TYPE; EHLERS-DANLOS SYNDROME, SEVERE CLASSIC TYPE; Ehlers-Danlos syndrome, type 1; Ehlers-Danlos Syndrome, Classic Type, COL5A1-Related; EDS I. Identifiers: MedGen C0268335, MONDO:0019567, OMIM 130000.

Submission:

Labcorp Genetics (formerly Invitae), Labcorp
Classification: Uncertain significance for Ehlers-Danlos syndrome, classic type, 1. Last evaluated: 2021-06-14. Review status: criteria provided, single submitter. Criteria: Invitae Variant Classification Sherloc (09022015). Collection method: clinical testing. Allele origin: germline.
Comment: This sequence change replaces leucine with phenylalanine at codon 18 of the COL5A2 protein (p.Leu18Phe). The leucine residue is moderately conserved and there is a small physicochemical difference between leucine and phenylalanine. This variant is not present in population databases (ExAC no frequency). This variant has not been reported in the literature in individuals with COL5A2-related conditions. Advanced modeling of protein sequence and biophysical properties (such as structural, functional, and spatial information, amino acid conservation, physicochemical variation, residue mobility, and thermodynamic stability) performed at Invitae indicates that this missense variant is not expected to disrupt COL5A2 protein function. In summary, the available evidence is currently insufficient to determine the role of this variant in disease. Therefore, it has been classified as a Variant of Uncertain Significance.